The following is an entry in ClinVar:

ClinVar aggregate classification (germline): Conflicting classifications of pathogenicity. Review status: criteria provided, conflicting classifications (1 of 4 stars). 2 submissions from 2 submitters: Likely pathogenic (1); Uncertain significance (1). Last evaluated 2023-05-02.

Conditions:
RPGR-related retinopathy. Also called: RPGR retinopathy. Identifiers: MedGen CN305589, MONDO:0100437.
RPGR-related disorder. Also called: RPGR-related condition.

Submissions (2):

Broad Center for Mendelian Genomics, Broad Institute of MIT and Harvard
Classification: Uncertain significance for RPGR-related retinopathy. Last evaluated: 2023-05-02. Review status: criteria provided, single submitter. Criteria: ACMG Guidelines, 2015. Collection method: curation. Allele origin: germline. Inheritance: X-linked inheritance.
Comment: This variant was absent from large population studies. This variant is predicted to cause a frameshift, which alters the protein‚Äôs amino acid sequence beginning at position 1074 and leads to a premature termination codon 3 amino acids downstream. This termination codon occurs within the last exon and is more likely to escape nonsense mediated decay (NMD) and result in a truncated protein. Loss of function of the RPGR gene is an established disease mechanism in X-linked retinitis pigmentosa 3. In summary, while there is some suspicion for a pathogenic role, the clinical significance of this variant is uncertain. ACMG/AMP Criteria applied: PVS1_Moderate, PM2_Supporting (Richards 2015).

Blueprint Genetics
Classification: Likely pathogenic for RPGR-related disorders. Last evaluated: 2021-04-09. Review status: criteria provided, single submitter. Criteria: ACMG Guidelines, 2015. Collection method: clinical testing. Allele origin: germline. Affected: yes. Observed: 1 variant allele.

NM_001034853.2(RPGR):c.3221_3225del (p.Glu1074fs)

Gene: RPGR (retinitis pigmentosa GTPase regulator; minus strand). Cytogenetic location: Xp11.4.
Variant type: Deletion.
Coding change: c.3221_3225del on transcript NM_001034853.2 (MANE Select); coding-DNA positions 3221 to 3225, 5 bases deleted (AAGAA; older notation c.3221_3225delAAGAA).
Protein change: p.Glu1074fs; shifts the reading frame from glutamic acid 1074.
Molecular consequence: frameshift variant. On other transcripts: intron variant (8).
Genome position (GRCh38, 1-based): chrX:38,285,774-38,285,778, TTCTT deleted on the plus strand (AAGAA on the coding strand, the reverse complement: RPGR is on the minus strand). VCF-style (leftmost placement, unchanged base first): chrX-38285773-CTTCTT-C. GRCh37 (hg19) VCF-style: chrX-38145026-CTTCTT-C.
Other names: NM_001034853.2:c.3221_3225del; c.1569+5181_1569+5185del (NM_001367249.1, NM_001367250.1); c.1902+1316_1902+1320del (NM_001367245.1); c.1386+5181_1386+5185del (NM_001367251.1); c.1719+1316_1719+1320del (NM_001367246.1); c.1572+5181_1572+5185del (NM_001367247.1); c.1905+1316_1905+1320del (NM_000328.3); c.1602+5181_1602+5185del (NM_001367248.1); short protein forms E1074fs.
Identifiers: ClinVar variation 2500931 (VCV002500931.2), dbSNP rs2519780725, ClinGen allele CA2579984454.